The following is an entry in ClinVar:

ClinVar aggregate classification (germline): Uncertain significance (1 of 4 stars; one submission).

Conditions:
Joubert syndrome. Also called: CEREBELLOPARENCHYMAL DISORDER IV; JOUBERT-BOLTSHAUSER SYNDROME; Familial aplasia of the vermis. Identifiers: Orphanet 475, MedGen C5979921, MONDO:0018772.
Orofaciodigital syndrome I (OFD1). Also called: OFDS I; Papillon-Leage and Psaume Syndrome; Oral-Facial-Digital Syndrome Type I. Identifiers: Orphanet 2750, MedGen C1510460, MONDO:0010702, OMIM 311200.

gnomAD v4.1: 2 of 1,210,423 alleles (0.00017%); highest among the groups gnomAD compares: Non-Finnish European, 0.00022%; no homozygotes.

Submission:

Labcorp Genetics (formerly Invitae), Labcorp
Classification: Uncertain significance for Orofaciodigital syndrome I; Joubert syndrome. Last evaluated: 2023-11-28. Review status: criteria provided, single submitter. Criteria: Invitae Variant Classification Sherloc (09022015). Collection method: clinical testing. Allele origin: germline.
Comment: This sequence change affects codon 60 of the OFD1 mRNA. It is a 'silent' change, meaning that it does not change the encoded amino acid sequence of the OFD1 protein. This variant is present in population databases (rs758996532, gnomAD 0.001%). This variant has not been reported in the literature in individuals affected with OFD1-related conditions. Algorithms developed to predict the effect of sequence changes on RNA splicing suggest that this variant may disrupt the consensus splice site. In summary, the available evidence is currently insufficient to determine the role of this variant in disease. Therefore, it has been classified as a Variant of Uncertain Significance.

NM_003611.3(OFD1):c.178C>A (p.Arg60=)

Gene: OFD1 (OFD1 centriole and centriolar satellite protein; plus strand). Cytogenetic location: Xp22.2.
Variant type: single nucleotide variant.
Coding change: c.178C>A on transcript NM_003611.3 (MANE Select); coding-DNA position 178, C replaced by A.
Protein change: p.Arg60=; no amino-acid change (arginine 60 retained).
Molecular consequence: synonymous variant. On other transcripts: 5 prime UTR variant (1).
Genome position (GRCh38, 1-based): chrX:13,736,544, C>A. VCF-style: chrX-13736544-C-A. GRCh37 (hg19) VCF-style: chrX-13754663-C-A.
Other names: c.178C>A, p.Arg60= (NM_001330209.2); c.-368C>A (NM_001330210.2).
Identifiers: ClinVar variation 2934459 (VCV002934459.3), dbSNP rs758996532, ClinGen allele CA10351541.
Genomic context (GRCh38, chrX:13,736,544, plus strand): 5'-CTTCGAAACCAGCTAATTCATGAGTTGATGCACCCTGTATTGAGTGGAGAACTGCAGCCT[C>A]GGTCCATTTCAGTAGAAGGGAGCTCCCTCTTAATAGGCGCCTCTAACTCTTTAGTGGCAG-3'
Protein context (NP_003602.1, residues 50-70): HPVLSGELQP[Arg60=]SISVEGSSLL